The following is an entry in ClinVar:

ClinVar aggregate classification (germline): Conflicting classifications of pathogenicity. Review status: criteria provided, conflicting classifications (1 of 4 stars). 4 submissions from 4 submitters: Uncertain significance (1); Likely benign (3). Last evaluated 2025-08-01.

Conditions:
Mowat-Wilson syndrome (MOWS). Also called: Classic Mowat-Wilson Syndrome. Identifiers: Orphanet 2152, MedGen C1856113, MONDO:0009341, OMIM 235730.
Inborn genetic diseases. Identifiers: MedGen C0950123, MeSH D030342.

Allele frequency attached by ClinVar (database versions not stated): gnomAD 0.00001; gnomAD exomes 0.00002; TOPMed 0.00002.
gnomAD v4.1: 31 of 1,613,902 alleles (0.0019%); highest among the groups gnomAD compares: Non-Finnish European, 0.0024%; no homozygotes.

Submissions (4):

CeGaT Center for Human Genetics Tuebingen
Classification: Likely benign. Last evaluated: 2025-08-01. Review status: criteria provided, single submitter. Criteria: CeGaT Center For Human Genetics Tuebingen Variant Classification Criteria Version 2. Collection method: clinical testing. Allele origin: germline. Affected: yes. Observed: 1 variant allele.
Comment: ZEB2: BP4, BS2

Labcorp Genetics (formerly Invitae), Labcorp
Classification: Likely benign for Mowat-Wilson syndrome. Last evaluated: 2025-05-19. Review status: criteria provided, single submitter. Criteria: Invitae Variant Classification Sherloc (09022015). Collection method: clinical testing. Allele origin: germline.

GeneDx
Classification: Uncertain significance. Last evaluated: 2023-11-15. Review status: criteria provided, single submitter. Criteria: GeneDx Variant Classification Process June 2021. Collection method: clinical testing. Allele origin: germline. Affected: yes.
Comment: In silico analysis supports that this variant does not alter splicing; Has not been previously published as pathogenic or benign to our knowledge

Ambry Genetics
Classification: Likely benign for Inborn genetic diseases. Last evaluated: 2017-09-27. Review status: criteria provided, single submitter. Criteria: Ambry Variant Classification Scheme 2023. Collection method: clinical testing. Allele origin: germline.

NM_014795.4(ZEB2):c.2742G>A (p.Gln914=)

Gene: ZEB2 (zinc finger E-box binding homeobox 2; minus strand). Cytogenetic location: 2q22.3.
Variant type: single nucleotide variant.
Coding change: c.2742G>A on transcript NM_014795.4 (MANE Select); coding-DNA position 2742, G replaced by A.
Protein change: p.Gln914=; no amino-acid change (glutamine 914 retained).
Molecular consequence: synonymous variant.
Genome position (GRCh38, 1-based): chr2:144,398,445, C>T on the plus strand (G>A on the coding strand, the complement: ZEB2 is on the minus strand). VCF-style: chr2-144398445-C-T. GRCh37 (hg19) VCF-style: chr2-145156012-C-T.
Other names: c.2670G>A, p.Gln890= (NM_001171653.2).
Identifiers: ClinVar variation 1145661 (VCV001145661.20), dbSNP rs780189288, ClinGen allele CA57554744.
Genomic context (GRCh38, chr2:144,398,445, plus strand): 5'-ATGTGGTAGGAAGCTCATCTGATCCAGTCCTGGGTATGGTCGTAGCCCAGGAATACTGGT[C>T]TGGACTGGTGGCATGAAAGTAGCAGGGGGAAATGCGCTTTGAGGTGGAAGAGCTGTGTAT-3'
Protein context (NP_055610.1, residues 904-924): FPPATFMPPV[Gln914=]TSIPGLRPYP